The following is an entry in ClinVar:

ClinVar aggregate classification (germline): Uncertain significance (1 of 4 stars; one submission).

Conditions:
Leukocyte adhesion deficiency 3. Also called: INTEGRIN ACTIVATION DEFICIENCY DISEASE; LEUKOCYTE ADHESION DEFICIENCY 1 VARIANT; Leukocyte adhesion deficiency, type III. Identifiers: Orphanet 2968, Orphanet 99844, MedGen C2748536, MONDO:0013016, OMIM 612840.

gnomAD v4.1: 7 of 1,602,362 alleles (0.00044%); highest among the groups gnomAD compares: African/African-American, 0.0054%; no homozygotes.

Submission:

Labcorp Genetics (formerly Invitae), Labcorp
Classification: Uncertain significance for Leukocyte adhesion deficiency 3. Last evaluated: 2025-01-14. Review status: criteria provided, single submitter. Criteria: Invitae Variant Classification Sherloc (09022015). Collection method: clinical testing. Allele origin: germline.
Comment: This sequence change replaces asparagine, which is neutral and polar, with aspartic acid, which is acidic and polar, at codon 54 of the FERMT3 protein (p.Asn54Asp). This variant is not present in population databases (gnomAD no frequency). This variant has not been reported in the literature in individuals affected with FERMT3-related conditions. An algorithm developed to predict the effect of missense changes on protein structure and function (PolyPhen-2) suggests that this variant is likely to be tolerated. In summary, the available evidence is currently insufficient to determine the role of this variant in disease. Therefore, it has been classified as a Variant of Uncertain Significance.

NM_031471.6(FERMT3):c.160A>G (p.Asn54Asp)

Gene: FERMT3 (FERM domain containing kindlin 3; plus strand). Cytogenetic location: 11q13.1.
Variant type: single nucleotide variant.
Coding change: c.160A>G on transcript NM_031471.6 (MANE Select); coding-DNA position 160, A replaced by G.
Protein change: p.Asn54Asp; replaces asparagine 54 with aspartic acid.
Molecular consequence: missense variant.
Genome position (GRCh38, 1-based): chr11:64,207,524, A>G. VCF-style: chr11-64207524-A-G. GRCh37 (hg19) VCF-style: chr11-63974996-A-G.
Other names: c.160A>G, p.Asn54Asp (NM_001382361.1, NM_001382362.1, NM_001382448.1 and 1 more transcripts); short protein forms N54D.
Identifiers: ClinVar variation 3611535 (VCV003611535.2).